The following is an entry in ClinVar:

ClinVar aggregate classification (germline): Benign/Likely benign. Review status: criteria provided, multiple submitters, no conflicts (2 of 4 stars). 5 submissions from 5 submitters: Benign (1); Likely benign (4). Last evaluated 2025-10-07.

Conditions:
Hereditary cancer-predisposing syndrome. Also called: Neoplastic Syndromes, Hereditary; Hereditary Cancer Syndrome; Hereditary neoplastic syndrome; Tumor predisposition. Identifiers: Orphanet 140162, MedGen C0027672, MeSH D009386, MONDO:0015356.
Familial thoracic aortic aneurysm and aortic dissection (TAAD). Also called: Thoracic aortic aneurysms and dissections. Identifiers: Orphanet 91387, MedGen C4707243, MONDO:0019625.
Juvenile polyposis syndrome (JPS). Identifiers: Orphanet 2929, MedGen C0345893, MONDO:0017380, OMIM 174900.
Myhre syndrome (MYHRS). Also called: LARYNGOTRACHEAL STENOSIS, ARTHROPATHY, PROGNATHISM, AND SHORT STATURE; LAPS SYNDROME. Identifiers: Orphanet 2588, MedGen C0796081, MONDO:0007688, OMIM 139210.
Juvenile polyposis/hereditary hemorrhagic telangiectasia syndrome (JPHT). Also called: POLYPOSIS, GENERALIZED JUVENILE, WITH PULMONARY ARTERIOVENOUS MALFORMATION; TELANGIECTASIA, HEREDITARY HEMORRHAGIC, WITH JUVENILE POLYPOSIS COLI; Juvenile Polyposis Syndrome / Hereditary Hemorrhagic Telangiectasia (JPS/HHT); JP/HHT SYNDROME; JUVENILE POLYPOSIS WITH HEREDITARY HEMORRHAGIC TELANGIECTASIA. Identifiers: Orphanet 2929, MedGen C1832942, MONDO:0008278, OMIM 175050.
Carcinoma of pancreas. Also called: PANCREATIC ACINAR CARCINOMA; PANCREATIC CARCINOMA; Pancreatic cancer, somatic; Pancreatic carcinoma, somatic; Exocrine pancreatic carcinoma. Identifiers: Orphanet 1333, Orphanet 217074, MedGen C0235974, MONDO:0005192. Disease mechanism: loss of function.

Allele frequency attached by ClinVar (database versions not stated): gnomAD exomes below 0.00001 and 0.00001.
gnomAD v4.1: 7 of 1,613,994 alleles (0.00043%); highest among the groups gnomAD compares: Non-Finnish European, 0.00059%; no homozygotes.

Submissions (5):

Labcorp Genetics (formerly Invitae), Labcorp
Classification: Likely benign for Juvenile polyposis syndrome. Last evaluated: 2025-10-07. Review status: criteria provided, single submitter. Criteria: Invitae Variant Classification Sherloc (09022015). Collection method: clinical testing. Allele origin: germline.

Myriad Genetics, Inc.
Classification: Benign for Juvenile polyposis/hereditary hemorrhagic telangiectasia syndrome. Last evaluated: 2025-03-21. Review status: criteria provided, single submitter. Criteria: Myriad Autosomal Dominant, Autosomal Recessive and X-Linked Classification Criteria (2023). Collection method: clinical testing. Allele origin: unknown.
Comment: This variant is considered benign. This variant is a silent/synonymous amino acid change and it is not expected to impact splicing.

Color Diagnostics, LLC DBA Color Health
Classification: Likely benign for Hereditary cancer-predisposing syndrome. Last evaluated: 2024-05-04. Review status: criteria provided, single submitter. Criteria: ACMG Guidelines, 2015. Collection method: clinical testing. Allele origin: germline.

Fulgent Genetics
Classification: Likely benign for Myhre syndrome; Juvenile polyposis syndrome; Juvenile polyposis/hereditary hemorrhagic telangiectasia syndrome; Familial pancreatic carcinoma. Last evaluated: 2022-05-13. Review status: criteria provided, single submitter. Criteria: ACMG Guidelines, 2015. Collection method: clinical testing. Allele origin: unknown.

Ambry Genetics
Classification: Likely benign for Hereditary cancer-predisposing syndrome; Familial thoracic aortic aneurysm and aortic dissection. Last evaluated: 2018-11-08. Review status: criteria provided, single submitter. Criteria: Ambry Variant Classification Scheme 2023. Collection method: clinical testing. Allele origin: germline.

NM_005359.6(SMAD4):c.1125C>T (p.Ala375=)

Gene: SMAD4 (SMAD family member 4; plus strand). Cytogenetic location: 18q21.2.
Variant type: single nucleotide variant.
Coding change: c.1125C>T on transcript NM_005359.6 (MANE Select); coding-DNA position 1125, C replaced by T.
Protein change: p.Ala375=; no amino-acid change (alanine 375 retained).
Molecular consequence: synonymous variant.
Genome position (GRCh38, 1-based): chr18:51,065,592, C>T. VCF-style: chr18-51065592-C-T. GRCh37 (hg19) VCF-style: chr18-48591962-C-T.
Identifiers: ClinVar variation 413431 (VCV000413431.19), dbSNP rs1060504023, ClinGen allele CA16616082.